The following is an entry in ClinVar:

ClinVar aggregate classification (germline): Uncertain significance (1 of 4 stars; one submission).

Conditions:
Familial cancer of breast. Also called: hereditary breast carcinoma; Hereditary breast cancer; BREAST CANCER, FAMILIAL. Identifiers: Orphanet 227535, MedGen C0346153, MONDO:0016419, OMIM 114480. Disease mechanism: loss of function.
Fanconi anemia complementation group J. Also called: BRIP1-Related Fanconi Anemia. Identifiers: Orphanet 84, MedGen C1836860, MONDO:0012187, OMIM 609054.

Submission:

Labcorp Genetics (formerly Invitae), Labcorp
Classification: Uncertain significance for Familial cancer of breast; Fanconi anemia complementation group J. Last evaluated: 2023-02-25. Review status: criteria provided, single submitter. Criteria: Invitae Variant Classification Sherloc (09022015). Collection method: clinical testing. Allele origin: germline.
Comment: In summary, the available evidence is currently insufficient to determine the role of this variant in disease. Therefore, it has been classified as a Variant of Uncertain Significance. Advanced modeling of protein sequence and biophysical properties (such as structural, functional, and spatial information, amino acid conservation, physicochemical variation, residue mobility, and thermodynamic stability) performed at Invitae indicates that this missense variant is not expected to disrupt BRIP1 protein function. ClinVar contains an entry for this variant (Variation ID: 2082995). This variant has not been reported in the literature in individuals affected with BRIP1-related conditions. This variant is not present in population databases (gnomAD no frequency). This sequence change replaces glutamic acid, which is acidic and polar, with glycine, which is neutral and non-polar, at codon 702 of the BRIP1 protein (p.Glu702Gly).

NM_032043.3(BRIP1):c.2105A>G (p.Glu702Gly)

Gene: BRIP1 (BRCA1 interacting DNA helicase 1; minus strand). Cytogenetic location: 17q23.2.
Variant type: single nucleotide variant.
Coding change: c.2105A>G on transcript NM_032043.3 (MANE Select); coding-DNA position 2105, A replaced by G.
Protein change: p.Glu702Gly; replaces glutamic acid 702 with glycine.
Molecular consequence: missense variant.
Genome position (GRCh38, 1-based): chr17:61,744,584, T>C on the plus strand (A>G on the coding strand, the complement: BRIP1 is on the minus strand). VCF-style: chr17-61744584-T-C. GRCh37 (hg19) VCF-style: chr17-59821945-T-C.
Other names: short protein forms E702G.
Identifiers: ClinVar variation 2082995 (VCV002082995.4), dbSNP rs2544839642, ClinGen allele CA400483403.